The following is an entry in ClinVar:

ClinVar aggregate classification (germline): Uncertain significance (1 of 4 stars; one submission).

Conditions:
Familial hypobetalipoproteinemia 1. Also called: APOB-Related Familial Hypobetalipoproteinemia; Hypobetalipoproteinemia, normotriglyceridemic; Acanthocytosis with hypobetalipoproteinemia. Identifiers: MedGen C4551990, MONDO:0014252, OMIM 615558.
Hypercholesterolemia, autosomal dominant, type B (FHCL2). Also called: Familial Hypercholesterolemia Type B; APOLIPOPROTEIN B-100, FAMILIAL DEFECTIVE; APOLIPOPROTEIN B-100, FAMILIAL LIGAND-DEFECTIVE; HYPERCHOLESTEROLEMIA, FAMILIAL, DUE TO LIGAND-DEFECTIVE APOLIPOPROTEIN B; APOB-Related Familial Hypercholesterolemia, Autosomal Dominant; Familial hypercholesterolemia 2. Identifiers: MedGen C1704417, MONDO:0007751, OMIM 144010.

Submission:

Labcorp Genetics (formerly Invitae), Labcorp
Classification: Uncertain significance for Familial hypobetalipoproteinemia 1; Hypercholesterolemia, autosomal dominant, type B. Last evaluated: 2021-02-19. Review status: criteria provided, single submitter. Criteria: Invitae Variant Classification Sherloc (09022015). Collection method: clinical testing. Allele origin: germline.
Comment: Algorithms developed to predict the effect of missense changes on protein structure and function (SIFT, PolyPhen-2, Align-GVGD) all suggest that this variant is likely to be tolerated, but these predictions have not been confirmed by published functional studies and their clinical significance is uncertain. In summary, the available evidence is currently insufficient to determine the role of this variant in disease. Therefore, it has been classified as a Variant of Uncertain Significance. This variant has not been reported in the literature in individuals with APOB-related conditions. This variant is not present in population databases (ExAC no frequency). This sequence change replaces histidine with glutamine at codon 2319 of the APOB protein (p.His2319Gln). The histidine residue is weakly conserved and there is a small physicochemical difference between histidine and glutamine.

NM_000384.3(APOB):c.6957C>A (p.His2319Gln)

Gene: APOB (apolipoprotein B; minus strand). Cytogenetic location: 2p24.1.
Variant type: single nucleotide variant.
Coding change: c.6957C>A on transcript NM_000384.3 (MANE Select); coding-DNA position 6957, C replaced by A.
Protein change: p.His2319Gln; replaces histidine 2319 with glutamine.
Molecular consequence: missense variant.
Genome position (GRCh38, 1-based): chr2:21,009,911, G>T on the plus strand (C>A on the coding strand, the complement: APOB is on the minus strand). VCF-style: chr2-21009911-G-T. GRCh37 (hg19) VCF-style: chr2-21232783-G-T.
Other names: short protein forms H2319Q.
Identifiers: ClinVar variation 1512146 (VCV001512146.8), dbSNP rs779664416, ClinGen allele CA346000107.